The following is an entry in ClinVar:

ClinVar aggregate classification (germline): Uncertain significance (1 of 4 stars; one submission).

Allele frequency attached by ClinVar (database versions not stated): gnomAD exomes below 0.00001.

Submission:

Labcorp Genetics (formerly Invitae), Labcorp
Classification: Uncertain significance. Last evaluated: 2022-02-24. Review status: criteria provided, single submitter. Criteria: Invitae Variant Classification Sherloc (09022015). Collection method: clinical testing. Allele origin: germline.
Comment: In summary, the available evidence is currently insufficient to determine the role of this variant in disease. Therefore, it has been classified as a Variant of Uncertain Significance. Algorithms developed to predict the effect of missense changes on protein structure and function are either unavailable or do not agree on the potential impact of this missense change (SIFT: "Deleterious"; PolyPhen-2: "Probably Damaging"; Align-GVGD: "Class C0"). ClinVar contains an entry for this variant (Variation ID: 842445). This variant has not been reported in the literature in individuals affected with CACNA1F-related conditions. This variant is not present in population databases (gnomAD no frequency). This sequence change replaces valine, which is neutral and non-polar, with isoleucine, which is neutral and non-polar, at codon 171 of the CACNA1F protein (p.Val171Ile).

NM_001256789.3(CACNA1F):c.511G>A (p.Val171Ile)

Gene: CACNA1F (calcium voltage-gated channel subunit alpha1 F; minus strand). Cytogenetic location: Xp11.23.
Variant type: single nucleotide variant.
Coding change: c.511G>A on transcript NM_001256789.3 (MANE Select); coding-DNA position 511, G replaced by A.
Protein change: p.Val171Ile; replaces valine 171 with isoleucine.
Molecular consequence: missense variant.
Genome position (GRCh38, 1-based): chrX:49,230,860, C>T on the plus strand (G>A on the coding strand, the complement: CACNA1F is on the minus strand). VCF-style: chrX-49230860-C-T. GRCh37 (hg19) VCF-style: chrX-49087322-C-T.
Other names: c.316G>A, p.Val106Ile (NM_001256790.3); c.511G>A, p.Val171Ile (NM_005183.4); short protein forms V106I, V171I.
Identifiers: ClinVar variation 842445 (VCV000842445.11), dbSNP rs1557111160, ClinGen allele CA412925774.